The following is an entry in ClinVar:

ClinVar aggregate classification (germline): Benign/Likely benign. Review status: criteria provided, multiple submitters, no conflicts (2 of 4 stars). 9 submissions from 7 submitters: Benign (8); Likely benign (1). Last evaluated 2026-02-04.

Conditions:
Sclerosteosis 2 (SOST2). Identifiers: Orphanet 3152, MedGen C3280402, MONDO:0013679, OMIM 614305.
Cenani-Lenz syndactyly syndrome. Also called: CENANI SYNDACTYLISM; SYNDACTYLY, TYPE VII. Identifiers: Orphanet 3258, MedGen C1859309, MONDO:0008931, OMIM 212780.
Congenital myasthenic syndrome 17. Identifiers: Orphanet 590, MedGen C4225377, MONDO:0014578, OMIM 616304.

Allele frequency attached by ClinVar (database versions not stated): 1000 Genomes Project 30x 0.57886; 1000 Genomes Project 0.57967; TOPMed 0.62861; ESP Exome Variant Server 0.66008.
gnomAD v4.1: 1,174,981 of 1,612,518 alleles (73%); highest among the groups gnomAD compares: Non-Finnish European, 77%; 437,111 homozygotes.

Submissions (9):

Labcorp Genetics (formerly Invitae), Labcorp
Classification: Benign for Cenani-Lenz syndactyly syndrome; Sclerosteosis 2; Congenital myasthenic syndrome 17. Last evaluated: 2026-02-04. Review status: criteria provided, single submitter. Criteria: Invitae Variant Classification Sherloc (09022015). Collection method: clinical testing. Allele origin: germline.

Blueprint Genetics
Classification: Likely benign. Last evaluated: 2024-11-27. Review status: criteria provided, single submitter. Criteria: ACMG Guidelines, 2015. Collection method: clinical testing. Allele origin: germline.

Genome-Nilou Lab
Classification: Benign for Congenital myasthenic syndrome 17. Last evaluated: 2021-08-19. Review status: criteria provided, single submitter. Criteria: ACMG Guidelines, 2015. Collection method: clinical testing. Allele origin: germline. Affected: no.

Genome-Nilou Lab
Classification: Benign for Cenani-Lenz syndactyly syndrome. Last evaluated: 2021-08-19. Review status: criteria provided, single submitter. Criteria: ACMG Guidelines, 2015. Collection method: clinical testing. Allele origin: germline. Affected: no.

Genome-Nilou Lab
Classification: Benign for Sclerosteosis 2. Last evaluated: 2021-08-19. Review status: criteria provided, single submitter. Criteria: ACMG Guidelines, 2015. Collection method: clinical testing. Allele origin: germline. Affected: no.

GeneDx
Classification: Benign. Last evaluated: 2018-07-06. Review status: criteria provided, single submitter. Criteria: GeneDx Variant Classification Process June 2021. Collection method: clinical testing. Allele origin: germline. Affected: yes.

Mayo Clinic Laboratories, Mayo Clinic
Classification: Benign. Last evaluated: 2017-07-18. Review status: criteria provided, single submitter. Criteria: ACMG Guidelines, 2015. Collection method: clinical testing. Allele origin: germline. Observed: 402 variant alleles.

Illumina Laboratory Services, Illumina
Classification: Benign for Cenani-Lenz syndactyly syndrome. Last evaluated: 2017-04-27. Review status: criteria provided, single submitter. Criteria: ICSL Variant Classification Criteria 13 December 2019. Collection method: clinical testing. Allele origin: germline.
Comment: This variant was observed as part of a predisposition screen in an ostensibly healthy population. A literature search was performed for the gene, cDNA change, and amino acid change (where applicable). No publications were found based on this search. Allele frequency data from public databases was too high to be consistent with this variant causing disease. Therefore, this variant is classified as benign.

Breakthrough Genomics
Classification: Benign. Review status: criteria provided, single submitter. Criteria: ACMG Guidelines, 2015. Collection method: not provided. Allele origin: germline. Inheritance: Autosomal recessive inheritance. Affected: yes.

NM_002334.4(LRP4):c.4937G>A (p.Arg1646Gln)

Genes: LRP4 (LDL receptor related protein 4; minus strand), LRP4-AS1 (LRP4 antisense RNA 1; plus strand). Cytogenetic location: 11p11.2.
Variant type: single nucleotide variant.
Coding change: c.4937G>A on transcript NM_002334.4 (MANE Select); coding-DNA position 4937, G replaced by A.
Protein change: p.Arg1646Gln; replaces arginine 1646 with glutamine.
Molecular consequence: missense variant.
Genome position (GRCh38, 1-based): chr11:46,868,614, C>T on the plus strand (G>A on the coding strand, the complement: LRP4 is on the minus strand). VCF-style: chr11-46868614-C-T. GRCh37 (hg19) VCF-style: chr11-46890165-C-T.
Other names: short protein forms R1646Q.
Identifiers: ClinVar variation 304850 (VCV000304850.21), dbSNP rs3816614, ClinGen allele CA5969200.
Genomic context (GRCh38, chr11:46,868,614, plus strand): 5'-TTCCAGGGGCTCTGCCGAGTGGCTCCAGCCATACAGTCCAACTCACCAAGGGAGCAGGGC[C>T]GGCTATCAGGTTCGTCAGGACAGGCACATACGAAGTCCGAGGCTCTGGCAAAGCAGAGGT-3'
Protein context (NP_002325.2, residues 1636-1656): VCACPDEPDS[Arg1646Gln]PCSLVPGLVP